The following is an entry in ClinVar:

ClinVar aggregate classification (germline): Benign/Likely benign. Review status: criteria provided, multiple submitters, no conflicts (2 of 4 stars). 4 submissions from 4 submitters: Benign (1); Likely benign (3). Last evaluated 2026-07-14.

Conditions:
Rhabdoid tumor predisposition syndrome 2 (RTPS2). Identifiers: Orphanet 231108, Orphanet 69077, MedGen C2750074, MONDO:0013224, OMIM 613325.
Hereditary cancer-predisposing syndrome. Also called: Tumor predisposition; Neoplastic Syndromes, Hereditary; Hereditary Cancer Syndrome; Hereditary neoplastic syndrome. Identifiers: Orphanet 140162, MedGen C0027672, MeSH D009386, MONDO:0015356.

Allele frequency attached by ClinVar (database versions not stated): gnomAD exomes below 0.00001; gnomAD 0.00002; TOPMed 0.00001; ExAC below 0.00001.
gnomAD v4.1: 4 of 1,613,502 alleles (0.00025%); highest among the groups gnomAD compares: Admixed American, 0.0017%; no homozygotes.

Submissions (4):

Myriad Genetics, Inc.
Classification: Benign for Rhabdoid tumor predisposition syndrome 2. Last evaluated: 2026-07-14. Review status: criteria provided, single submitter. Criteria: Myriad Autosomal Dominant, Autosomal Recessive and X-Linked Classification Criteria (2023). Collection method: clinical testing. Allele origin: unknown.
Comment: This variant is considered benign. This variant is a silent/synonymous amino acid change and it is not expected to impact splicing.

Labcorp Genetics (formerly Invitae), Labcorp
Classification: Likely benign for Rhabdoid tumor predisposition syndrome 2. Last evaluated: 2025-11-23. Review status: criteria provided, single submitter. Criteria: Invitae Variant Classification Sherloc (09022015). Collection method: clinical testing. Allele origin: germline.

Sema4
Classification: Likely benign for Hereditary cancer-predisposing syndrome. Last evaluated: 2021-04-12. Review status: criteria provided, single submitter. Criteria: Sema4 Curation Guidelines. Collection method: curation. Allele origin: germline.

Ambry Genetics
Classification: Likely benign for Hereditary cancer-predisposing syndrome. Last evaluated: 2016-08-05. Review status: criteria provided, single submitter. Criteria: Ambry Variant Classification Scheme 2023. Collection method: clinical testing. Allele origin: germline.

NM_003072.5(SMARCA4):c.2904C>A (p.Leu968=)

Gene: SMARCA4 (SWI/SNF related BAF chromatin remodeling complex subunit ATPase 4; plus strand). Cytogenetic location: 19p13.2.
Variant type: single nucleotide variant.
Coding change: c.2904C>A on transcript NM_003072.5 (MANE Select); coding-DNA position 2904, C replaced by A.
Protein change: p.Leu968=; no amino-acid change (leucine 968 retained).
Molecular consequence: synonymous variant. On other transcripts: non-coding transcript variant (1).
Genome position (GRCh38, 1-based): chr19:11,023,562, C>A. VCF-style: chr19-11023562-C-A. GRCh37 (hg19) VCF-style: chr19-11134238-C-A.
Other names: c.2904C>A, p.Leu968= (NM_001128847.4, NM_001128848.2, NM_001128849.3 and 5 more transcripts).
Identifiers: ClinVar variation 480582 (VCV000480582.17), dbSNP rs779863039, ClinGen allele CA9204258.